The following is an entry in ClinVar:

ClinVar aggregate classification (germline): Uncertain significance (1 of 4 stars; one submission).

Conditions:
Cardiovascular phenotype. Identifiers: MedGen CN230736.

Submission:

Ambry Genetics
Classification: Uncertain significance for Cardiovascular phenotype. Last evaluated: 2021-10-13. Review status: criteria provided, single submitter. Criteria: Ambry Variant Classification Scheme 2023. Collection method: clinical testing. Allele origin: germline.
Comment: The p.K16E variant (also known as c.46A>G), located in coding exon 2 of the NEXN gene, results from an A to G substitution at nucleotide position 46. The lysine at codon 16 is replaced by glutamic acid, an amino acid with similar properties. This amino acid position is conserved. In addition, the in silico prediction for this alteration is inconclusive. Since supporting evidence is limited at this time, the clinical significance of this alteration remains unclear.

NM_144573.4(NEXN):c.46A>G (p.Lys16Glu)

Gene: NEXN (nexilin F-actin binding protein; plus strand). Cytogenetic location: 1p31.1.
Variant type: single nucleotide variant.
Coding change: c.46A>G on transcript NM_144573.4 (MANE Select); coding-DNA position 46, A replaced by G.
Protein change: p.Lys16Glu; replaces lysine 16 with glutamic acid.
Molecular consequence: missense variant. On other transcripts: intron variant (1).
Genome position (GRCh38, 1-based): chr1:77,917,584, A>G. VCF-style: chr1-77917584-A-G. GRCh37 (hg19) VCF-style: chr1-78383269-A-G.
Other names: c.28-376A>G (NM_001172309.2); short protein forms K16E.
Identifiers: ClinVar variation 1742526 (VCV001742526.2), dbSNP rs2526781159, ClinGen allele CA340884954.